The following is an entry in ClinVar:

NM_006306.4(SMC1A):c.1927G>T (p.Gly643Ter)

Gene: SMC1A (structural maintenance of chromosomes 1A; minus strand). Cytogenetic location: Xp11.22.
Variant type: single nucleotide variant.
Coding change: c.1927G>T on transcript NM_006306.4 (MANE Select); coding-DNA position 1927, G replaced by T.
Protein change: p.Gly643Ter; replaces glycine 643 with a stop codon.
Molecular consequence: nonsense.
Genome position (GRCh38, 1-based): chrX:53,405,376, C>A on the plus strand (G>T on the coding strand, the complement: SMC1A is on the minus strand). VCF-style: chrX-53405376-C-A. GRCh37 (hg19) VCF-style: chrX-53432308-C-A.
Other names: c.1861G>T, p.Gly621Ter (NM_001281463.1); short protein forms G643*, G621*.
Identifiers: ClinVar variation 2859683 (VCV002859683.3), dbSNP rs2520927961, ClinGen allele CA413252578.

ClinVar aggregate classification (germline): Pathogenic (1 of 4 stars; one submission).

Conditions:
Congenital muscular hypertrophy-cerebral syndrome (CDLS2). Also called: SMC1A-Related Cornelia de Lange Syndrome; Cornelia de Lange syndrome 2. Identifiers: Orphanet 199, MedGen C1802395, MONDO:0010370, OMIM 300590.

Submission:

Labcorp Genetics (formerly Invitae), Labcorp
Classification: Pathogenic for Congenital muscular hypertrophy-cerebral syndrome. Last evaluated: 2023-04-26. Review status: criteria provided, single submitter. Criteria: Invitae Variant Classification Sherloc (09022015). Collection method: clinical testing. Allele origin: germline.
Comment: For these reasons, this variant has been classified as Pathogenic. This variant has not been reported in the literature in individuals affected with SMC1A-related conditions. This variant is not present in population databases (gnomAD no frequency). This sequence change creates a premature translational stop signal (p.Gly643*) in the SMC1A gene. It is expected to result in an absent or disrupted protein product. Loss-of-function variants in SMC1A are known to be pathogenic (PMID: 26386245, 27334371, 28166369, 28548707, 31334757).

Literature cited by the submitters: PubMed 26386245; PubMed 27334371; PubMed 28166369; PubMed 28548707; PubMed 31334757.